The following is an entry in ClinVar:

NM_000363.5(TNNI3):c.107A>G (p.Lys36Arg)

Gene: TNNI3 (troponin I3, cardiac type; minus strand). Cytogenetic location: 19q13.42.
Variant type: single nucleotide variant.
Coding change: c.107A>G on transcript NM_000363.5 (MANE Select); coding-DNA position 107, A replaced by G.
Protein change: p.Lys36Arg; replaces lysine 36 with arginine.
Molecular consequence: missense variant.
Genome position (GRCh38, 1-based): chr19:55,157,051, T>C on the plus strand (A>G on the coding strand, the complement: TNNI3 is on the minus strand). VCF-style: chr19-55157051-T-C. GRCh37 (hg19) VCF-style: chr19-55668419-T-C.
Other names: short protein forms K36R.
Identifiers: ClinVar variation 1500981 (VCV001500981.8), dbSNP rs886039441, ClinGen allele CA407442813.
Genomic context (GRCh38, chr19:55,157,051, plus strand): 5'-TCCCAGGGTCTTGGATCCCTCCGGCGCCTGTACTCTGCCCCCAGGAAGCCCCGTCCCACC[T>C]TGGCGTGCGGCTCCGTGGCATAAGCGCGGTAGTTGGAGGAGCGGCGTCTGATTGGGGCTG-3'
Protein context (NP_000354.4, residues 26-46): YRAYATEPHA[Lys36Arg]KKSKISASRK

ClinVar aggregate classification (germline): Uncertain significance (1 of 4 stars; one submission).

Conditions:
Hypertrophic cardiomyopathy. Also called: HYPERTROPHIC MYOCARDIOPATHY. Identifiers: Orphanet 217569, MedGen C0007194, MeSH D002312, MONDO:0005045, HP:0001639.

Submission:

Labcorp Genetics (formerly Invitae), Labcorp
Classification: Uncertain significance for Hypertrophic cardiomyopathy. Last evaluated: 2021-06-23. Review status: criteria provided, single submitter. Criteria: Invitae Variant Classification Sherloc (09022015). Collection method: clinical testing. Allele origin: germline.
Comment: This sequence change replaces lysine with arginine at codon 36 of the TNNI3 protein (p.Lys36Arg). The lysine residue is highly conserved and there is a small physicochemical difference between lysine and arginine. This variant is not present in population databases (ExAC no frequency). This variant has not been reported in the literature in individuals affected with TNNI3-related conditions. Algorithms developed to predict the effect of missense changes on protein structure and function are either unavailable or do not agree on the potential impact of this missense change (SIFT: "Deleterious"; PolyPhen-2: "Benign"; Align-GVGD: "Class C0"). Algorithms developed to predict the effect of sequence changes on RNA splicing suggest that this variant may disrupt the consensus splice site. In summary, the available evidence is currently insufficient to determine the role of this variant in disease. Therefore, it has been classified as a Variant of Uncertain Significance.